The following is an entry in ClinVar:

ClinVar aggregate classification (germline): Uncertain significance (1 of 4 stars; one submission).

Conditions:
Epidermolysis bullosa simplex 3, localized or generalized intermediate, with BP230 deficiency (EBS3). Also called: Epidermolysis bullosa simplex, autosomal recessive 2; Epidermolysis bullosa simplex due to BP230 deficiency. Identifiers: Orphanet 412181, MedGen C3809470, MONDO:0014180, OMIM 615425.
Hereditary sensory and autonomic neuropathy type 6. Also called: HSAN VI; Neuropathy, hereditary sensory and autonomic, type VI. Identifiers: Orphanet 314381, MedGen C3539003, MONDO:0013839, OMIM 614653.

Submission:

Labcorp Genetics (formerly Invitae), Labcorp
Classification: Uncertain significance for Epidermolysis bullosa simplex 3, localized or generalized intermediate, with BP230 deficiency; Hereditary sensory and autonomic neuropathy type 6. Last evaluated: 2022-06-27. Review status: criteria provided, single submitter. Criteria: Invitae Variant Classification Sherloc (09022015). Collection method: clinical testing. Allele origin: germline.
Comment: In summary, the available evidence is currently insufficient to determine the role of this variant in disease. Therefore, it has been classified as a Variant of Uncertain Significance. Algorithms developed to predict the effect of missense changes on protein structure and function are either unavailable or do not agree on the potential impact of this missense change (SIFT: "Deleterious"; PolyPhen-2: "Possibly Damaging"; Align-GVGD: "Class C0"). This variant has not been reported in the literature in individuals affected with DST-related conditions. This variant is not present in population databases (gnomAD no frequency). This sequence change replaces glycine, which is neutral and non-polar, with valine, which is neutral and non-polar, at codon 2552 of the DST protein (p.Gly2552Val).

NM_001723.7(DST):c.7655G>T (p.Gly2552Val)

Gene: DST (dystonin; minus strand). Cytogenetic location: 6p12.1.
Variant type: single nucleotide variant.
Coding change: c.7655G>T on transcript NM_001723.7 (MANE Plus Clinical); coding-DNA position 7655, G replaced by T.
Protein change: p.Gly2552Val; replaces glycine 2552 with valine.
Molecular consequence: missense variant. On other transcripts: intron variant (10).
Genome position (GRCh38, 1-based): chr6:56,615,812, C>A on the plus strand (G>T on the coding strand, the complement: DST is on the minus strand). VCF-style: chr6-56615812-C-A. GRCh37 (hg19) VCF-style: chr6-56480610-C-A.
Other names: c.4831-1328G>T (NM_001144769.5); c.4930-1328G>T (NM_001374722.1, NM_001374736.1); c.4957-1328G>T (NM_001374734.1); c.4417-1328G>T (NM_001144770.2); c.4297-1328G>T (NM_001374730.1, NM_001386100.1, NM_183380.4 and 1 more transcripts); c.3319-1328G>T (NM_015548.5); short protein forms G2552V.
Identifiers: ClinVar variation 2011517 (VCV002011517.4), dbSNP rs2536587219, ClinGen allele CA364562531.